The following is an entry in ClinVar:

ClinVar aggregate classification (germline): Likely benign (1 of 4 stars; one submission).

Allele frequency attached by ClinVar (database versions not stated): 1000 Genomes Project 30x 0.00531; 1000 Genomes Project 0.00579; gnomAD 0.01460 and 0.01484; TOPMed 0.01631.
gnomAD v4.1: 2,232 of 152,328 alleles (1.5%); highest among the groups gnomAD compares: Middle Eastern, 5.4%; 40 homozygotes.

Submission:

GeneDx
Classification: Likely benign. Last evaluated: 2018-06-19. Review status: criteria provided, single submitter. Criteria: GeneDx Variant Classification (06012015). Collection method: clinical testing. Allele origin: germline. Affected: yes.
Comment: This variant is considered likely benign or benign based on one or more of the following criteria: it is a conservative change, it occurs at a poorly conserved position in the protein, it is predicted to be benign by multiple in silico algorithms, and/or has population frequency not consistent with disease.

NM_017617.5(NOTCH1):c.2969+308C>T

Gene: NOTCH1 (notch receptor 1; minus strand). Cytogenetic location: 9q34.3.
Variant type: single nucleotide variant.
Coding change: c.2969+308C>T on transcript NM_017617.5 (MANE Select); 308 bases into the intron after coding-DNA position 2969, C replaced by T.
Molecular consequence: intron variant.
Genome position (GRCh38, 1-based): chr9:136,509,425, G>A on the plus strand (C>T on the coding strand, the complement: NOTCH1 is on the minus strand). VCF-style: chr9-136509425-G-A. GRCh37 (hg19) VCF-style: chr9-139403877-G-A.
Identifiers: ClinVar variation 680943 (VCV000680943.1), dbSNP rs74500209, ClinGen allele CA201581676.
Genomic context (GRCh38, chr9:136,509,425, plus strand): 5'-CCTGGTAACACGGGAGGTAATTACGTCAGAAACCAGGGACGAGACTGACGTTTACCAAAT[G>A]AGCTTCCTGGCAAACACGGCAAAAAGGAAACAAGAACGGACAGAGTTCTCGTTGTCTAAT-3'